The following is an entry in ClinVar:

NM_014297.5(ETHE1):c.595+2T>A

Gene: ETHE1 (ETHE1 persulfide dioxygenase; minus strand). Cytogenetic location: 19q13.31.
Variant type: single nucleotide variant.
Coding change: c.595+2T>A on transcript NM_014297.5 (MANE Select); the canonical splice donor site of the intron after coding-DNA position 595, T replaced by A.
Molecular consequence: splice donor variant.
Genome position (GRCh38, 1-based): chr19:43,508,773, A>T on the plus strand (T>A on the coding strand, the complement: ETHE1 is on the minus strand). VCF-style: chr19-43508773-A-T. GRCh37 (hg19) VCF-style: chr19-44012925-A-T.
Other names: c.595+2T>A (NM_014297.4); c.301+2T>A (NM_001320869.2); c.226+2T>A (NM_001320868.2); c.562+2T>A (NM_001320867.2).
Identifiers: ClinVar variation 2050512 (VCV002050512.5), dbSNP rs761661864, ClinGen allele CA406175084.

ClinVar aggregate classification (germline): Likely pathogenic. Review status: criteria provided, multiple submitters, no conflicts (2 of 4 stars). 2 submissions from 2 submitters: Likely pathogenic (2). Last evaluated 2025-12-16.

Conditions:
Ethylmalonic encephalopathy (EE). Also called: EPEMA syndrome; Encephalopathy, petechiae, and ethylmalonic aciduria; Syndrome of encephalopathy, petechiae, and ethylmalonic aciduria. Identifiers: Orphanet 51188, MedGen C1865349, MONDO:0011229, OMIM 602473. Disease mechanism: loss of function.

gnomAD v4.1: 2 of 1,597,898 alleles (0.00013%); highest among the groups gnomAD compares: African/African-American, 0.0027%; no homozygotes.

Submissions (2):

Labcorp Genetics (formerly Invitae), Labcorp
Classification: Likely pathogenic for Ethylmalonic encephalopathy. Last evaluated: 2025-12-16. Review status: criteria provided, single submitter. Criteria: Invitae Variant Classification Sherloc (09022015). Collection method: clinical testing. Allele origin: germline.
Comment: This sequence change affects a donor splice site in intron 5 of the ETHE1 gene. It is expected to disrupt RNA splicing. Variants that disrupt the donor or acceptor splice site typically lead to a loss of protein function (PMID: 16199547), and loss-of-function variants in ETHE1 are known to be pathogenic (PMID: 14732903, 19136963). This variant is not present in population databases (gnomAD no frequency). This variant has not been reported in the literature in individuals affected with ETHE1-related conditions. ClinVar contains an entry for this variant (Variation ID: 2050512). Algorithms developed to predict the effect of sequence changes on RNA splicing suggest that this variant may disrupt the consensus splice site. In summary, the currently available evidence indicates that the variant is pathogenic, but additional data are needed to prove that conclusively. Therefore, this variant has been classified as Likely Pathogenic.

Natera, Inc.
Classification: Likely pathogenic for Ethylmalonic encephalopathy. Last evaluated: 2024-09-10. Review status: criteria provided, single submitter. Criteria: Natera Variant Classification Schema (03/2026). Collection method: clinical testing. Allele origin: germline.
Comment: The c.595+2T>A variant in ETHE1 is a canonical splice donor site variant predicted to affect pre-mRNA splicing, which may result in an abnormal transcript and altered protein product. This variant is expected to result in nonsense mediated decay, truncation, or a dysfunctional protein product. This variant is rare in the general population with a frequency below the threshold expected for the associated phenotype(s). Given the available evidence, this variant is classified as Likely Pathogenic.

Literature cited by the submitters: PubMed 16199547 (cited by Labcorp Genetics (formerly Invitae), Labcorp); PubMed 14732903 (cited by Labcorp Genetics (formerly Invitae), Labcorp); PubMed 19136963 (cited by Labcorp Genetics (formerly Invitae), Labcorp).